The following is an entry in ClinVar:

ClinVar aggregate classification (germline): Uncertain significance. Review status: criteria provided, multiple submitters, no conflicts (2 of 4 stars). 3 submissions from 3 submitters: Uncertain significance (3). Last evaluated 2025-09-26.

Conditions:
Primary ciliary dyskinesia. Also called: Ciliary dyskinesia. Identifiers: Orphanet 244, MedGen C0008780, MONDO:0016575, HP:0012265.

Allele frequency attached by ClinVar (database versions not stated): gnomAD 0.00001; gnomAD exomes 0.00001 and 0.00004; ExAC 0.00004; TOPMed 0.00007.
gnomAD v4.1: 17 of 1,613,258 alleles (0.0011%); highest among the groups gnomAD compares: Admixed American, 0.027%; no homozygotes.

Submissions (3):

Ambry Genetics
Classification: Uncertain significance for Primary ciliary dyskinesia. Last evaluated: 2025-09-26. Review status: criteria provided, single submitter. Criteria: Ambry Variant Classification Scheme 2023. Collection method: clinical testing. Allele origin: germline.

GeneDx
Classification: Uncertain significance. Last evaluated: 2024-12-07. Review status: criteria provided, single submitter. Criteria: GeneDx Variant Classification Process June 2021. Collection method: clinical testing. Allele origin: germline. Affected: yes.
Comment: In silico analysis indicates that this missense variant does not alter protein structure/function; Has not been previously published as pathogenic or benign to our knowledge

Labcorp Genetics (formerly Invitae), Labcorp
Classification: Uncertain significance for Primary ciliary dyskinesia. Last evaluated: 2021-11-12. Review status: criteria provided, single submitter. Criteria: Invitae Variant Classification Sherloc (09022015). Collection method: clinical testing. Allele origin: germline.
Comment: This sequence change replaces phenylalanine, which is neutral and non-polar, with serine, which is neutral and polar, at codon 268 of the RSPH4A protein (p.Phe268Ser). This variant is present in population databases (rs774797157, gnomAD 0.03%). This variant has not been reported in the literature in individuals affected with RSPH4A-related conditions. Algorithms developed to predict the effect of missense changes on protein structure and function (SIFT, PolyPhen-2, Align-GVGD) all suggest that this variant is likely to be tolerated. In summary, the available evidence is currently insufficient to determine the role of this variant in disease. Therefore, it has been classified as a Variant of Uncertain Significance.

NM_001010892.3(RSPH4A):c.803T>C (p.Phe268Ser)

Gene: RSPH4A (radial spoke head component 4A; plus strand). Cytogenetic location: 6q22.1.
Variant type: single nucleotide variant.
Coding change: c.803T>C on transcript NM_001010892.3 (MANE Select); coding-DNA position 803, T replaced by C.
Protein change: p.Phe268Ser; replaces phenylalanine 268 with serine.
Molecular consequence: missense variant.
Genome position (GRCh38, 1-based): chr6:116,622,884, T>C. VCF-style: chr6-116622884-T-C. GRCh37 (hg19) VCF-style: chr6-116944047-T-C.
Other names: c.803T>C, p.Phe268Ser (NM_001161664.2); c.803T>C (NM_001010892.2); short protein forms F268S.
Identifiers: ClinVar variation 1419166 (VCV001419166.4), dbSNP rs774797157, ClinGen allele CA3970838.